The following is an entry in ClinVar:

ClinVar aggregate classification (germline): Likely benign. Review status: criteria provided, multiple submitters, no conflicts (2 of 4 stars). 3 submissions from 3 submitters: Likely benign (2). 1 of the submissions does not count toward it. Last evaluated 2025-09-05.

Conditions:
TRIP13-related disorder. Also called: TRIP13-related condition.

Allele frequency attached by ClinVar (database versions not stated): gnomAD 0.00001; TOPMed 0.00002; gnomAD exomes 0.00003; ESP Exome Variant Server 0.00008.
gnomAD v4.1: 44 of 1,597,770 alleles (0.0028%); highest among the groups gnomAD compares: Non-Finnish European, 0.0037%; no homozygotes.

Submissions (3):

Labcorp Genetics (formerly Invitae), Labcorp
Classification: Likely benign. Last evaluated: 2025-09-05. Review status: criteria provided, single submitter. Criteria: Invitae Variant Classification Sherloc (09022015). Collection method: clinical testing. Allele origin: germline.

Blueprint Genetics
Classification: Likely benign. Last evaluated: 2024-03-28. Review status: criteria provided, single submitter. Criteria: ACMG Guidelines, 2015. Collection method: clinical testing. Allele origin: germline.

PreventionGenetics, part of Exact Sciences
Classification: Likely benign for TRIP13-related condition. Last evaluated: 2021-12-31. Review status: no assertion criteria provided. Collection method: clinical testing. Allele origin: germline. Not counted in ClinVar's aggregate classification.
Comment: This variant is classified as likely benign based on ACMG/AMP sequence variant interpretation guidelines (Richards et al. 2015 PMID: 25741868, with internal and published modifications).

NM_004237.4(TRIP13):c.51G>A (p.Glu17=)

Gene: TRIP13 (thyroid hormone receptor interactor 13; plus strand). Cytogenetic location: 5p15.33.
Variant type: single nucleotide variant.
Coding change: c.51G>A on transcript NM_004237.4 (MANE Select); coding-DNA position 51, G replaced by A.
Protein change: p.Glu17=; no amino-acid change (glutamic acid 17 retained).
Molecular consequence: synonymous variant.
Genome position (GRCh38, 1-based): chr5:893,049, G>A. VCF-style: chr5-893049-G-A. GRCh37 (hg19) VCF-style: chr5-893164-G-A.
Other names: c.51G>A, p.Glu17= (NM_001166260.2).
Identifiers: ClinVar variation 3031748 (VCV003031748.5), dbSNP rs375328821, ClinGen allele CA112900079.
Genomic context (GRCh38, chr5:893,049, plus strand): 5'-CGGGGGCGCCATGGACGAGGCCGTGGGCGACCTGAAGCAGGCGCTTCCCTGTGTGGCCGA[G>A]TCGCCAACGGTCCACGTGGAGGTGCATCAGCGCGGCAGCAGGTGAGCCGGACCTGTCCGA-3'
Protein context (NP_004228.1, residues 7-27): DLKQALPCVA[Glu17=]SPTVHVEVHQ